The following is an entry in ClinVar:

NM_001846.4(COL4A2):c.1216A>G (p.Met406Val)

Gene: COL4A2 (collagen type IV alpha 2 chain; plus strand). Cytogenetic location: 13q34.
Variant type: single nucleotide variant.
Coding change: c.1216A>G on transcript NM_001846.4 (MANE Select); coding-DNA position 1216, A replaced by G.
Protein change: p.Met406Val; replaces methionine 406 with valine.
Molecular consequence: missense variant.
Genome position (GRCh38, 1-based): chr13:110,450,331, A>G. VCF-style: chr13-110450331-A-G. GRCh37 (hg19) VCF-style: chr13-111102678-A-G.
Other names: short protein forms M406V.
Identifiers: ClinVar variation 1962280 (VCV001962280.3), dbSNP rs1566539898, ClinGen allele CA388734401.

ClinVar aggregate classification (germline): Uncertain significance (1 of 4 stars; one submission).

Allele frequency attached by ClinVar (database versions not stated): gnomAD exomes 0.00002.
gnomAD v4.1: 30 of 1,613,780 alleles (0.0019%); highest among the groups gnomAD compares: African/African-American, 0.004%; no homozygotes.

Submission:

Labcorp Genetics (formerly Invitae), Labcorp
Classification: Uncertain significance. Last evaluated: 2022-08-10. Review status: criteria provided, single submitter. Criteria: Invitae Variant Classification Sherloc (09022015). Collection method: clinical testing. Allele origin: germline.
Comment: In summary, the available evidence is currently insufficient to determine the role of this variant in disease. Therefore, it has been classified as a Variant of Uncertain Significance. Advanced modeling of protein sequence and biophysical properties (such as structural, functional, and spatial information, amino acid conservation, physicochemical variation, residue mobility, and thermodynamic stability) performed at Invitae indicates that this missense variant is not expected to disrupt COL4A2 protein function. This variant has not been reported in the literature in individuals affected with COL4A2-related conditions. This variant is not present in population databases (gnomAD no frequency). This sequence change replaces methionine, which is neutral and non-polar, with valine, which is neutral and non-polar, at codon 406 of the COL4A2 protein (p.Met406Val).